The following is an entry in ClinVar:

ClinVar aggregate classification (germline): Uncertain significance. Review status: criteria provided, multiple submitters, no conflicts (2 of 4 stars). 5 submissions from 5 submitters: Uncertain significance (3). 2 of the submissions do not count toward it. Last evaluated 2023-07-27.

Conditions:
Congenital lactic acidosis, Saguenay-Lac-Saint-Jean type (MC4DN5). Also called: CYTOCHROME c OXIDASE DEFICIENCY, FRENCH CANADIAN TYPE; COX DEFICIENCY, FRENCH CANADIAN TYPE; MITOCHONDRIAL COMPLEX IV DEFICIENCY, NUCLEAR TYPE 5. Identifiers: Orphanet 70472, MedGen C1857355, MONDO:0009069, OMIM 220111.

Allele frequency attached by ClinVar (database versions not stated): TOPMed 0.00001.
gnomAD v4.1: 19 of 1,613,236 alleles (0.0012%); highest among the groups gnomAD compares: Admixed American, 0.0017%; no homozygotes.

Submissions (5):

Women's Health and Genetics/Laboratory Corporation of America, LabCorp
Classification: Uncertain significance. Last evaluated: 2023-07-27. Review status: criteria provided, single submitter. Criteria: LabCorp Variant Classification Summary - May 2015. Collection method: clinical testing. Allele origin: germline.
Comment: Variant summary: LRPPRC c.1253A>C (p.Asn418Thr) results in a non-conservative amino acid change in the encoded protein sequence. Four of five in-silico tools predict a benign effect of the variant on protein function. The variant allele was found at a frequency of 3.2e-05 in 251158 control chromosomes (gnomAD). The available data on variant occurrences in the general population are insufficient to allow any conclusion about variant significance. c.1253A>C has been reported in the literature in an individual affected with childhood onset mitochondrial respiratory chain deficiency (example: Kohda_2016). These report(s) do not provide unequivocal conclusions about association of the variant with Leigh Syndrome, French-Canadian Type. To our knowledge, no experimental evidence demonstrating an impact on protein function has been reported. The following publication has been ascertained in the context of this evaluation (PMID: 26741492). Four submitters have cited clinical-significance assessments for this variant to ClinVar after 2014. All submitters classified the variant as uncertain significance. Based on the evidence outlined above, the variant was classified as uncertain significance.

Labcorp Genetics (formerly Invitae), Labcorp
Classification: Uncertain significance. Last evaluated: 2022-05-16. Review status: criteria provided, single submitter. Criteria: Invitae Variant Classification Sherloc (09022015). Collection method: clinical testing. Allele origin: germline.
Comment: This sequence change replaces asparagine, which is neutral and polar, with threonine, which is neutral and polar, at codon 418 of the LRPPRC protein (p.Asn418Thr). This variant is present in population databases (rs373908553, gnomAD 0.06%). This missense change has been observed in individual(s) with LRPPRC-related conditions (PMID: 26741492). ClinVar contains an entry for this variant (Variation ID: 449720). Algorithms developed to predict the effect of missense changes on protein structure and function (SIFT, PolyPhen-2, Align-GVGD) all suggest that this variant is likely to be tolerated. In summary, the available evidence is currently insufficient to determine the role of this variant in disease. Therefore, it has been classified as a Variant of Uncertain Significance.

GeneDx
Classification: Uncertain significance. Last evaluated: 2017-09-29. Review status: criteria provided, single submitter. Criteria: GeneDx Variant Classification (06012015). Collection method: clinical testing. Allele origin: germline. Affected: yes.
Comment: The N418T variant in the LRPPRC gene has been reported previously in an individual with a lethal infantile mitochondrial disorder who was heterozygous for N418T and another LRPPRC variant, however segregation information was not provided (Kohda et al., 2016). The N418T variant is observed in 6/9836 (0.06%) alleles from individuals of Ashkenazi Jewish background, in the gnomAD dataset (Lek et al., 2016). The N418T variant is a conservative amino acid substitution, which is not likely to impact secondary protein structure as these residues share similar properties. This substitution occurs at a position that is not conserved. In silico analysis is inconsistent in its predictions as to whether or not the variant is damaging to the protein structure/function. We interpret N418T as a variant of uncertain significance.

Natera, Inc.
Classification: Uncertain significance for French-Canadian type Leigh syndrome. Last evaluated: 2020-07-05. Review status: no assertion criteria provided. Collection method: clinical testing. Allele origin: germline. Not counted in ClinVar's aggregate classification.

Counsyl
Classification: Uncertain significance for Congenital lactic acidosis, Saguenay-Lac-Saint-Jean type. Last evaluated: 2017-06-22. Review status: no assertion criteria provided. Collection method: clinical testing. Allele origin: unknown. Not counted in ClinVar's aggregate classification.

Literature cited by the submitters: PubMed 26741492 (cited by 3 submitters).

NM_133259.4(LRPPRC):c.1253A>C (p.Asn418Thr)

Gene: LRPPRC (leucine rich pentatricopeptide repeat containing; minus strand). Cytogenetic location: 2p21.
Variant type: single nucleotide variant.
Coding change: c.1253A>C on transcript NM_133259.4 (MANE Select); coding-DNA position 1253, A replaced by C.
Protein change: p.Asn418Thr; replaces asparagine 418 with threonine.
Molecular consequence: missense variant.
Genome position (GRCh38, 1-based): chr2:43,973,803, T>G on the plus strand (A>C on the coding strand, the complement: LRPPRC is on the minus strand). VCF-style: chr2-43973803-T-G. GRCh37 (hg19) VCF-style: chr2-44200942-T-G.
Other names: short protein forms N418T.
Identifiers: ClinVar variation 449720 (VCV000449720.10), dbSNP rs373908553, ClinGen allele CA1639049.